The following is an entry in ClinVar:

ClinVar aggregate classification (germline): Uncertain significance (1 of 4 stars; one submission).

Allele frequency attached by ClinVar (database versions not stated): gnomAD exomes below 0.00001; gnomAD 0.00001; TOPMed 0.00001.
gnomAD v4.1: 2 of 1,612,842 alleles (0.00012%); highest among the groups gnomAD compares: African/African-American, 0.0027%; no homozygotes.

Submission:

Labcorp Genetics (formerly Invitae), Labcorp
Classification: Uncertain significance. Last evaluated: 2022-07-26. Review status: criteria provided, single submitter. Criteria: Invitae Variant Classification Sherloc (09022015). Collection method: clinical testing. Allele origin: germline.
Comment: This sequence change falls in intron 7 of the USH2A gene. It does not directly change the encoded amino acid sequence of the USH2A protein. This variant is not present in population databases (gnomAD no frequency). This variant has not been reported in the literature in individuals affected with USH2A-related conditions. ClinVar contains an entry for this variant (Variation ID: 1503666). Algorithms developed to predict the effect of sequence changes on RNA splicing suggest that this variant may create or strengthen a splice site. In summary, the available evidence is currently insufficient to determine the role of this variant in disease. Therefore, it has been classified as a Variant of Uncertain Significance.

NM_206933.4(USH2A):c.1329-4A>G

Gene: USH2A (usherin; minus strand). Cytogenetic location: 1q41.
Variant type: single nucleotide variant.
Coding change: c.1329-4A>G on transcript NM_206933.4 (MANE Select); 4 bases into the intron before coding-DNA position 1329, A replaced by G.
Molecular consequence: intron variant.
Genome position (GRCh38, 1-based): chr1:216,323,699, T>C on the plus strand (A>G on the coding strand, the complement: USH2A is on the minus strand). VCF-style: chr1-216323699-T-C. GRCh37 (hg19) VCF-style: chr1-216497041-T-C.
Other names: c.1329-4A>G (NM_007123.6).
Identifiers: ClinVar variation 1503666 (VCV001503666.5), dbSNP rs1222644764, ClinGen allele CA731446452.